The following is an entry in ClinVar:

NM_080680.3(COL11A2):c.2063G>A (p.Gly688Glu)

Gene: COL11A2 (collagen type XI alpha 2 chain; minus strand). Cytogenetic location: 6p21.32.
Variant type: single nucleotide variant.
Coding change: c.2063G>A on transcript NM_080680.3 (MANE Select); coding-DNA position 2063, G replaced by A.
Protein change: p.Gly688Glu; replaces glycine 688 with glutamic acid.
Molecular consequence: missense variant.
Genome position (GRCh38, 1-based): chr6:33,176,999, C>T on the plus strand (G>A on the coding strand, the complement: COL11A2 is on the minus strand). VCF-style: chr6-33176999-C-T. GRCh37 (hg19) VCF-style: chr6-33144776-C-T.
Other names: c.1883G>A, p.Gly628Glu (NM_001424108.1); c.1217G>A, p.Gly406Glu (NM_001424109.1); c.1037G>A, p.Gly346Glu (NM_001424110.1, NM_001424111.1); c.17G>A, p.Gly6Glu (NM_001424112.1); c.1742G>A, p.Gly581Glu (NM_080679.3); c.1805G>A, p.Gly602Glu (NM_080681.3); short protein forms G602E, G628E, G688E, G346E, G406E, G581E, G6E.
Identifiers: ClinVar variation 2844573 (VCV002844573.3), dbSNP rs917708164, ClinGen allele CA137071967.

ClinVar aggregate classification (germline): Uncertain significance (1 of 4 stars; one submission).

Allele frequency attached by ClinVar (database versions not stated): gnomAD exomes below 0.00001.
gnomAD v4.1: 2 of 1,611,510 alleles (0.00012%); highest among the groups gnomAD compares: Non-Finnish European, 0.00017%; no homozygotes.

Submission:

Labcorp Genetics (formerly Invitae), Labcorp
Classification: Uncertain significance. Last evaluated: 2023-05-08. Review status: criteria provided, single submitter. Criteria: Invitae Variant Classification Sherloc (09022015). Collection method: clinical testing. Allele origin: germline.
Comment: In summary, the available evidence is currently insufficient to determine the role of this variant in disease. Therefore, it has been classified as a Variant of Uncertain Significance. Advanced modeling of protein sequence and biophysical properties (such as structural, functional, and spatial information, amino acid conservation, physicochemical variation, residue mobility, and thermodynamic stability) performed at Invitae indicates that this missense variant is expected to disrupt COL11A2 protein function. This variant has not been reported in the literature in individuals affected with COL11A2-related conditions. This variant is not present in population databases (gnomAD no frequency). This sequence change replaces glycine, which is neutral and non-polar, with glutamic acid, which is acidic and polar, at codon 688 of the COL11A2 protein (p.Gly688Glu).